The following is an entry in ClinVar:

NM_016343.4(CENPF):c.3623C>T (p.Ala1208Val)

Gene: CENPF (centromere protein F; plus strand). Cytogenetic location: 1q41.
Variant type: single nucleotide variant.
Coding change: c.3623C>T on transcript NM_016343.4 (MANE Select); coding-DNA position 3623, C replaced by T.
Protein change: p.Ala1208Val; replaces alanine 1208 with valine.
Molecular consequence: missense variant.
Genome position (GRCh38, 1-based): chr1:214,641,961, C>T. VCF-style: chr1-214641961-C-T. GRCh37 (hg19) VCF-style: chr1-214815304-C-T.
Other names: short protein forms A1208V.
Identifiers: ClinVar variation 434705 (VCV000434705.42), dbSNP rs114717799, ClinGen allele CA1390430.

ClinVar aggregate classification (germline): Benign/Likely benign. Review status: criteria provided, multiple submitters, no conflicts (2 of 4 stars). 5 submissions from 5 submitters: Benign (4); Likely benign (1). Last evaluated 2026-09-01.

Allele frequency attached by ClinVar (database versions not stated): 1000 Genomes Project 0.00499; 1000 Genomes Project 30x 0.00500; ESP Exome Variant Server 0.00524; TOPMed 0.00529; gnomAD 0.00986 and 0.01013; ExAC 0.01142; gnomAD exomes 0.01181.
gnomAD v4.1: 14,338 of 1,599,682 alleles (0.9%); highest among the groups gnomAD compares: Middle Eastern, 2.6%; 160 homozygotes.

Submissions (5):

CeGaT Center for Human Genetics Tuebingen
Classification: Likely benign. Last evaluated: 2026-09-01. Review status: criteria provided, single submitter. Criteria: CeGaT Center For Human Genetics Tuebingen Variant Classification Criteria Version 2. Collection method: clinical testing. Allele origin: germline. Affected: yes. Observed: 32 variant alleles.
Comment: CENPF: BP4, BS2

Labcorp Genetics (formerly Invitae), Labcorp
Classification: Benign. Last evaluated: 2025-12-24. Review status: criteria provided, single submitter. Criteria: Invitae Variant Classification Sherloc (09022015). Collection method: clinical testing. Allele origin: germline.

GeneDx
Classification: Benign. Last evaluated: 2018-11-08. Review status: criteria provided, single submitter. Criteria: GeneDx Variant Classification Process June 2021. Collection method: clinical testing. Allele origin: germline. Affected: yes.

Genetic Services Laboratory, University of Chicago
Classification: Benign. Last evaluated: 2017-05-24. Review status: criteria provided, single submitter. Criteria: ACMG Guidelines, 2015. Collection method: clinical testing. Allele origin: germline. Affected: no.

Breakthrough Genomics
Classification: Benign. Review status: criteria provided, single submitter. Criteria: ACMG Guidelines, 2015. Collection method: not provided. Allele origin: germline. Inheritance: Autosomal recessive inheritance. Affected: yes.